The following is an entry in ClinVar:

ClinVar aggregate classification (germline): Pathogenic (1 of 4 stars; one submission).

Conditions:
Intellectual developmental disorder with speech delay, autism, and dysmorphic facies. Identifiers: MedGen C5231456, MONDO:0032864, OMIM 618672.

Submission:

Cytogenetique et Genetique Moleculaire, CHU Besancon
Classification: Pathogenic for Intellectual developmental disorder with speech delay, autism, and dysmorphic facies. Last evaluated: 2023-08-13. Review status: criteria provided, single submitter. Criteria: ACMG Guidelines, 2015. Collection method: clinical testing. Allele origin: germline. Affected: yes.
Comment: The NM_014516.4:c.586del variant is an frameshift variant in CNOT3 which is predicted to result in a premature stop codon, and likely results in an absent or disrupted protein product (PVS1). This variant is not present in gnomAD (PM2; v4.1.0). In summary, this variant meets criteria to be classified as pathogenic for CNOT3-related neurodevelopmental disorders based on the ACMG/AMP criteria applied (PVS1 PM2 PM6).

NM_014516.4(CNOT3):c.586del (p.Leu196fs)

Gene: CNOT3 (CCR4-NOT transcription complex subunit 3; plus strand). Cytogenetic location: 19q13.42.
Variant type: Deletion.
Coding change: c.586del on transcript NM_014516.4 (MANE Select); coding-DNA position 586, one base deleted (C; older notation c.586delC).
Protein change: p.Leu196fs; shifts the reading frame from leucine 196.
Molecular consequence: frameshift variant.
Genome position (GRCh38, 1-based): chr19:54,145,700, C deleted; the last of 2 consecutive C bases (chr19:54,145,699-54,145,700); deleting either gives the same sequence. VCF-style (leftmost placement, unchanged base first): chr19-54145698-TC-T. GRCh37 (hg19) VCF-style: chr19-54649434-TC-T.
Other names: short protein forms L196fs.
Identifiers: ClinVar variation 3387805 (VCV003387805.1).